The following is an entry in ClinVar:

NC_012920.1(MT-ND6):m.14420C>T

Gene: MT-ND6 (mitochondrially encoded NADH dehydrogenase 6; minus strand).
Variant type: single nucleotide variant.
Genome position: chrM-14420-C-T.
Identifiers: ClinVar variation 693721 (VCV000693721.1), dbSNP rs1556424442, ClinGen allele CA414822395.

ClinVar aggregate classification (germline): Likely benign (1 of 4 stars; one submission).

Conditions:
Leigh syndrome (NULS). Also called: Leigh's necrotizing encephalopathy; Leigh's disease; Leigh's syndrome; LEIGH SYNDROME, NUCLEAR; Leigh Syndrome (mtDNA deletion); Leigh Disease. Identifiers: Orphanet 506, MedGen C2931891, MONDO:0009723, OMIM 256000.

Submission:

Wong Mito Lab, Molecular and Human Genetics, Baylor College of Medicine
Classification: Likely benign for Leigh syndrome. Last evaluated: 2019-10-17. Review status: criteria provided, single submitter. Criteria: Modified ACMG Guidelines (Unpublished). Collection method: clinical testing. Allele origin: germline.
Comment: The NC_012920.1:m.14420C>T (YP_003024037.1:p.Gly85Glu) variant in MTND6 gene is interpretated to be a Likely Benign variant based on the modified ACMG guidelines (unpublished). This variant meets the following evidence codes: BS1, BP6